The following is an entry in ClinVar:

NM_004525.3(LRP2):c.6469G>C (p.Gly2157Arg)

Gene: LRP2 (LDL receptor related protein 2; minus strand). Cytogenetic location: 2q31.1.
Variant type: single nucleotide variant.
Coding change: c.6469G>C on transcript NM_004525.3 (MANE Select); coding-DNA position 6469, G replaced by C.
Protein change: p.Gly2157Arg; replaces glycine 2157 with arginine.
Molecular consequence: missense variant.
Genome position (GRCh38, 1-based): chr2:169,209,453, C>G on the plus strand (G>C on the coding strand, the complement: LRP2 is on the minus strand). VCF-style: chr2-169209453-C-G. GRCh37 (hg19) VCF-style: chr2-170065963-C-G.
Other names: short protein forms G2157R.
Identifiers: ClinVar variation 1335414 (VCV001335414.36), dbSNP rs769830564, ClinGen allele CA1954290.

ClinVar aggregate classification (germline): Uncertain significance. Review status: criteria provided, multiple submitters, no conflicts (2 of 4 stars). 2 submissions from 2 submitters: Uncertain significance (2). Last evaluated 2022-09-01.

gnomAD v4.1: 6 of 1,613,786 alleles (0.00037%); highest among the groups gnomAD compares: South Asian, 0.0066%; no homozygotes.

Submissions (2):

CeGaT Center for Human Genetics Tuebingen
Classification: Uncertain significance. Last evaluated: 2022-09-01. Review status: criteria provided, single submitter. Criteria: CeGaT Center For Human Genetics Tuebingen Variant Classification Criteria Version 2. Collection method: clinical testing. Allele origin: germline. Affected: yes. Observed: 1 variant allele.
Comment: LRP2: PM2, PP3

Blueprint Genetics
Classification: Uncertain significance. Last evaluated: 2021-08-09. Review status: criteria provided, single submitter. Criteria: ACMG Guidelines, 2015. Collection method: clinical testing. Allele origin: germline.